The following is an entry in ClinVar:

NM_000264.5(PTCH1):c.3018G>C (p.Leu1006=)

Gene: PTCH1 (patched 1; minus strand). Cytogenetic location: 9q22.32.
Variant type: single nucleotide variant.
Coding change: c.3018G>C on transcript NM_000264.5 (MANE Select); coding-DNA position 3018, G replaced by C.
Protein change: p.Leu1006=; no amino-acid change (leucine 1006 retained).
Molecular consequence: synonymous variant. On other transcripts: non-coding transcript variant (1).
Genome position (GRCh38, 1-based): chr9:95,458,163, C>G on the plus strand (G>C on the coding strand, the complement: PTCH1 is on the minus strand). VCF-style: chr9-95458163-C-G. GRCh37 (hg19) VCF-style: chr9-98220445-C-G.
Other names: c.2820G>C, p.Leu940= (NM_001083602.3); c.3015G>C, p.Leu1005= (NM_001083603.3); c.2565G>C, p.Leu855= (NM_001083604.3, NM_001083605.3, NM_001083606.3 and 1 more transcripts); c.2862G>C, p.Leu954= (NM_001354918.2).
Identifiers: ClinVar variation 1602122 (VCV001602122.16), dbSNP rs863224350, ClinGen allele CA466352053.

ClinVar aggregate classification (germline): Likely benign. Review status: criteria provided, multiple submitters, no conflicts (2 of 4 stars). 2 submissions from 2 submitters: Likely benign (2). Last evaluated 2025-08-01.

Conditions:
Gorlin syndrome. Also called: Nevoid Basal Cell Carcinoma Syndrome; Basal cell nevus syndrome. Identifiers: Orphanet 377, MedGen C0004779, MONDO:0007187.

Submissions (2):

CeGaT Center for Human Genetics Tuebingen
Classification: Likely benign. Last evaluated: 2025-08-01. Review status: criteria provided, single submitter. Criteria: CeGaT Center For Human Genetics Tuebingen Variant Classification Criteria Version 2. Collection method: clinical testing. Allele origin: germline. Affected: yes. Observed: 1 variant allele.
Comment: PTCH1: PM2:Supporting, BP4, BP7

Labcorp Genetics (formerly Invitae), Labcorp
Classification: Likely benign for Gorlin syndrome. Last evaluated: 2021-02-14. Review status: criteria provided, single submitter. Criteria: Invitae Variant Classification Sherloc (09022015). Collection method: clinical testing. Allele origin: germline.